The following is an entry in ClinVar:

ClinVar aggregate classification (germline): Pathogenic (1 of 4 stars; one submission).

Submission:

Labcorp Genetics (formerly Invitae), Labcorp
Classification: Pathogenic. Last evaluated: 2022-03-01. Review status: criteria provided, single submitter. Criteria: Invitae Variant Classification Sherloc (09022015). Collection method: clinical testing. Allele origin: germline.
Comment: For these reasons, this variant has been classified as Pathogenic. This variant has not been reported in the literature in individuals affected with NCSTN-related conditions. This variant is not present in population databases (gnomAD no frequency). This sequence change creates a premature translational stop signal (p.Ser373*) in the NCSTN gene. It is expected to result in an absent or disrupted protein product. Loss-of-function variants in NCSTN are known to be pathogenic (PMID: 20929727, 21430701, 22358060).

Literature cited by the submitters: PubMed 20929727; PubMed 21430701; PubMed 22358060.

NM_015331.3(NCSTN):c.1118C>G (p.Ser373Ter)

Gene: NCSTN (nicastrin; plus strand). Cytogenetic location: 1q23.2.
Variant type: single nucleotide variant.
Coding change: c.1118C>G on transcript NM_015331.3 (MANE Select); coding-DNA position 1118, C replaced by G.
Protein change: p.Ser373Ter; replaces serine 373 with a stop codon.
Molecular consequence: nonsense.
Genome position (GRCh38, 1-based): chr1:160,353,176, C>G. VCF-style: chr1-160353176-C-G. GRCh37 (hg19) VCF-style: chr1-160322966-C-G.
Other names: c.1058C>G, p.Ser353Ter (NM_001290184.2); c.704C>G, p.Ser235Ter (NM_001290186.2); c.1118C>G, p.Ser373Ter (NM_001349729.2); short protein forms S235*, S373*, S353*.
Identifiers: ClinVar variation 2105450 (VCV002105450.4), dbSNP rs2525537394, ClinGen allele CA343281045.